The following is an entry in ClinVar:

ClinVar aggregate classification (germline): Uncertain significance (1 of 4 stars; one submission).

Allele frequency attached by ClinVar (database versions not stated): gnomAD 0.00001; gnomAD exomes 0.00001 and 0.00002; TOPMed 0.00001; ExAC 0.00003; 1000 Genomes Project 30x 0.00016; 1000 Genomes Project 0.00020.

Submission:

GeneDx
Classification: Uncertain significance. Last evaluated: 2019-10-21. Review status: criteria provided, single submitter. Criteria: GeneDx Variant Classification Process June 2021. Collection method: clinical testing. Allele origin: germline. Affected: yes.
Comment: In silico analysis, which includes protein predictors and evolutionary conservation, supports that this variant does not alter protein structure/function; Has not been previously published as pathogenic or benign to our knowledge

NM_003906.5(MCM3AP):c.710G>A (p.Gly237Glu)

Gene: MCM3AP (minichromosome maintenance complex component 3 associated protein; minus strand). Cytogenetic location: 21q22.3.
Variant type: single nucleotide variant.
Coding change: c.710G>A on transcript NM_003906.5 (MANE Select); coding-DNA position 710, G replaced by A.
Protein change: p.Gly237Glu; replaces glycine 237 with glutamic acid.
Molecular consequence: missense variant.
Genome position (GRCh38, 1-based): chr21:46,284,577, C>T on the plus strand (G>A on the coding strand, the complement: MCM3AP is on the minus strand). VCF-style: chr21-46284577-C-T. GRCh37 (hg19) VCF-style: chr21-47704491-C-T.
Other names: short protein forms G237E.
Identifiers: ClinVar variation 1309492 (VCV001309492.2), dbSNP rs200906504, ClinGen allele CA10077288.
Genomic context (GRCh38, chr21:46,284,577, plus strand): 5'-GCAGATGATACAGGGAAGCTACTGAAGCTATTATTAGAACTTCCAAATATTGACTTAGGT[C>T]CTCTCTTCTCTTCCTCTACATTTTGGTTTGACAAAGCAGGGGTAAAGGCAGATAATGAAT-3'
Protein context (NP_003897.2, residues 227-247): SNQNVEEEKR[Gly237Glu]PKSIFGSSNN